The following is an entry in ClinVar:

NC_000017.10:g.(?_41199640)_(41277500_?)dup

Gene: BRCA1 (BRCA1 DNA repair associated; minus strand). Cytogenetic location: 17q21.31.
Variant type: Duplication.
Identifiers: ClinVar variation 3243002 (VCV003243002.1).

ClinVar aggregate classification (germline): Uncertain significance (1 of 4 stars; one submission).

Conditions:
Hereditary breast ovarian cancer syndrome. Also called: Hereditary breast and ovarian cancer syndrome; Hereditary breast and ovarian cancer; Hereditary breast and ovarian cancer syndrome (HBOC); Breast and ovarian cancer; Hereditary breast and/or ovarian cancer syndrome; BRCA1- and BRCA2-Associated Hereditary Breast and Ovarian Cancer. Identifiers: Orphanet 145, MedGen C0677776, MeSH D061325, MONDO:0003582. Disease mechanism: loss of function.

Submission:

Labcorp Genetics (formerly Invitae), Labcorp
Classification: Uncertain significance for Hereditary breast ovarian cancer syndrome. Last evaluated: 2023-11-15. Review status: criteria provided, single submitter. Criteria: Invitae Variant Classification Sherloc (09022015). Collection method: clinical testing. Allele origin: unknown.
Comment: This variant results in a copy number gain of the genomic region encompassing exon(s) 1-22 of the BRCA1 gene. This region includes the initiator codon of the gene. This copy number gain extends beyond the assayed region for this gene and therefore may encompass additional genes. As the precise location of this event is unknown, it may be in tandem or it may be located elsewhere in the genome. This variant has not been reported in the literature in individuals affected with BRCA1-related conditions. In summary, the available evidence is currently insufficient to determine the role of this variant in disease. Therefore, it has been classified as a Variant of Uncertain Significance.